The following is an entry in ClinVar:

Conditions:
Breast-ovarian cancer, familial, susceptibility to, 1 (BROVCA1). Also called: OVARIAN CANCER, SUSCEPTIBILITY TO; BRCA1 Hereditary Breast and Ovarian Cancer. Identifiers: Orphanet 145, MedGen C2676676, MONDO:0011450, OMIM 604370. Disease mechanism: loss of function.

Submission:

Brotman Baty Institute, University of Washington
No classification provided (evidence only). Condition: Breast-ovarian cancer, familial 1. Review status: no classification provided. Collection method: in vitro. Allele origin: not applicable. Functional consequence: functionally_normal.
ClinVar note: "not provided" was previously submitted as the classification for the variant. However, the classification appeared to be based only on an observation of functional data so it was converted to no classification on 2025-07-30.

NM_007294.4(BRCA1):c.5074+7C>T

Gene: BRCA1 (BRCA1 DNA repair associated; minus strand). Cytogenetic location: 17q21.31.
Variant type: single nucleotide variant.
Coding change: c.5074+7C>T on transcript NM_007294.4 (MANE Select); 7 bases into the intron after coding-DNA position 5074, C replaced by T.
Molecular consequence: intron variant.
Genome position (GRCh38, 1-based): chr17:43,067,601, G>A on the plus strand (C>T on the coding strand, the complement: BRCA1 is on the minus strand). VCF-style: chr17-43067601-G-A. GRCh37 (hg19) VCF-style: chr17-41219618-G-A.
Other names: c.5068+7C>T (NM_001407627.1, NM_001407861.1, NM_001407635.1 and 14 more transcripts); c.5071+7C>T (NM_001407614.1, NM_001407626.1, NM_001407617.1 and 17 more transcripts); c.5137+7C>T (NM_001407587.1, NM_001407585.1, NM_007300.4 and 1 more transcripts); c.1525+7C>T (NM_001408494.1); c.1639+7C>T (NM_001408444.1, NM_001408438.1, NM_001408432.1 and 10 more transcripts); c.1642+7C>T (NM_001408430.1, NM_001408427.1, NM_001408431.1 and 4 more transcripts); c.4945+7C>T (NM_001407682.1, NM_001407689.1, NM_001407681.1 and 6 more transcripts); c.4948+7C>T (NM_001407676.1, NM_001407863.1, NM_001407679.1 and 11 more transcripts); and 71 more.
Identifiers: ClinVar variation 808277 (VCV000808277.14), dbSNP rs1597825506, ClinGen allele CA915950091.